The following is an entry in ClinVar:

NM_014319.5(LEMD3):c.2T>C (p.Met1Thr)

Gene: LEMD3 (LEM domain containing 3; plus strand). Cytogenetic location: 12q14.3.
Variant type: single nucleotide variant.
Coding change: c.2T>C on transcript NM_014319.5 (MANE Select); coding-DNA position 2, T replaced by C.
Protein change: p.Met1Thr; changes the start codon (methionine 1).
Molecular consequence: missense variant, initiator codon variant.
Genome position (GRCh38, 1-based): chr12:65,169,598, T>C. VCF-style: chr12-65169598-T-C. GRCh37 (hg19) VCF-style: chr12-65563378-T-C.
Other names: c.2T>C, p.Met1Thr (NM_001167614.2); short protein forms M1T.
Identifiers: ClinVar variation 2696960 (VCV002696960.3), dbSNP rs2498937062, ClinGen allele CA385670760.

ClinVar aggregate classification (germline): Uncertain significance (1 of 4 stars; one submission).

Allele frequency attached by ClinVar (database versions not stated): gnomAD exomes below 0.00001.

Submission:

Labcorp Genetics (formerly Invitae), Labcorp
Classification: Uncertain significance. Last evaluated: 2023-11-17. Review status: criteria provided, single submitter. Criteria: Invitae Variant Classification Sherloc (09022015). Collection method: clinical testing. Allele origin: germline.
Comment: This sequence change affects the initiator methionine of the LEMD3 mRNA. The next in-frame methionine is located at codon 89. This variant is not present in population databases (gnomAD no frequency). This variant has not been reported in the literature in individuals affected with LEMD3-related conditions. Experimental studies and prediction algorithms are not available or were not evaluated, and the functional significance of this variant is currently unknown. In summary, the available evidence is currently insufficient to determine the role of this variant in disease. Therefore, it has been classified as a Variant of Uncertain Significance.